The following is an entry in ClinVar:

ClinVar aggregate classification (germline): Uncertain significance (1 of 4 stars; one submission).

Conditions:
Cardiovascular phenotype. Identifiers: MedGen CN230736.

Submission:

Ambry Genetics
Classification: Uncertain significance for Cardiovascular phenotype. Last evaluated: 2026-08-29. Review status: criteria provided, single submitter. Criteria: Ambry Variant Classification Scheme 2023. Collection method: clinical testing. Allele origin: germline.
Comment: The p.K25N variant (also known as c.75A>T), located in coding exon 2 of the NEXN gene, results from an A to T substitution at nucleotide position 75. The lysine at codon 25 is replaced by asparagine, an amino acid with similar properties. This amino acid position is conserved. In addition, this alteration is predicted to be tolerated by in silico analysis. Based on the available evidence, the clinical significance of this variant remains unclear.

NM_144573.4(NEXN):c.75A>T (p.Lys25Asn)

Gene: NEXN (nexilin F-actin binding protein; plus strand). Cytogenetic location: 1p31.1.
Variant type: single nucleotide variant.
Coding change: c.75A>T on transcript NM_144573.4 (MANE Select); coding-DNA position 75, A replaced by T.
Protein change: p.Lys25Asn; replaces lysine 25 with asparagine.
Molecular consequence: missense variant. On other transcripts: intron variant (1).
Genome position (GRCh38, 1-based): chr1:77,917,613, A>T. VCF-style: chr1-77917613-A-T. GRCh37 (hg19) VCF-style: chr1-78383298-A-T.
Other names: c.28-347A>T (NM_001172309.2); short protein forms K25N.
Identifiers: ClinVar variation 5025499 (VCV005025499.1).